The following is an entry in ClinVar:

ClinVar aggregate classification (germline): Benign/Likely benign. Review status: criteria provided, multiple submitters, no conflicts (2 of 4 stars). 10 submissions from 8 submitters: Benign (8); Likely benign (2). Last evaluated 2026-02-04.

Conditions:
Autosomal dominant nonsyndromic hearing loss 11. Identifiers: Orphanet 90635, MedGen C1832475, MONDO:0011032, OMIM 601317.
Autosomal recessive nonsyndromic hearing loss 2. Also called: DEAFNESS, AUTOSOMAL RECESSIVE 2; NEUROSENSORY NONSYNDROMIC RECESSIVE DEAFNESS 2. Identifiers: Orphanet 90636, MedGen C1838701, MONDO:0010807, OMIM 600060.
Usher syndrome type 1 (USH1). Also called: RETINITIS PIGMENTOSA AND CONGENITAL DEAFNESS. Identifiers: Orphanet 231169, Orphanet 886, MedGen C1568247, MONDO:0010168, OMIM 276900.

Allele frequency attached by ClinVar (database versions not stated): ExAC 0.03862; 1000 Genomes Project 0.01038; 1000 Genomes Project 30x 0.01062; TOPMed 0.01355; ESP Exome Variant Server 0.01381.
gnomAD v4.1: 33,374 of 1,556,648 alleles (2.1%); highest among the groups gnomAD compares: Middle Eastern, 2.7%; 422 homozygotes.

Submissions (10):

Labcorp Genetics (formerly Invitae), Labcorp
Classification: Benign. Last evaluated: 2026-02-04. Review status: criteria provided, single submitter. Criteria: Invitae Variant Classification Sherloc (09022015). Collection method: clinical testing. Allele origin: germline.

Women's Health and Genetics/Laboratory Corporation of America, LabCorp
Classification: Benign. Last evaluated: 2025-06-20. Review status: criteria provided, single submitter. Criteria: LabCorp Variant Classification Summary - May 2015. Collection method: clinical testing. Allele origin: germline.

ARUP Laboratories, Molecular Genetics and Genomics, ARUP Laboratories
Classification: Benign. Last evaluated: 2023-11-29. Review status: criteria provided, single submitter. Criteria: ARUP Molecular Germline Variant Investigation Process 2024. Collection method: clinical testing. Allele origin: germline.

Illumina Laboratory Services, Illumina
Classification: Benign for Autosomal dominant nonsyndromic hearing loss 11. Last evaluated: 2018-01-13. Review status: criteria provided, single submitter. Criteria: ICSL Variant Classification Criteria 13 December 2019. Collection method: clinical testing. Allele origin: germline.
Comment: This variant was observed in the ICSL laboratory as part of a predisposition screen in an ostensibly healthy population. It had not been previously curated by ICSL or reported in the Human Gene Mutation Database (HGMD: prior to June 1st, 2018), and was therefore a candidate for classification through an automated scoring system. Utilizing variant allele frequency, disease prevalence and penetrance estimates, and inheritance mode, an automated score was calculated to assess if this variant is too frequent to cause the disease. Based on the score and internal cut-off values, a variant classified as benign is not then subjected to further curation. The score for this variant resulted in a classification of benign for this disease.

Illumina Laboratory Services, Illumina
Classification: Benign for Usher syndrome type 1. Last evaluated: 2018-01-13. Review status: criteria provided, single submitter. Criteria: ICSL Variant Classification Criteria 13 December 2019. Collection method: clinical testing. Allele origin: germline.
Comment: the same text as in the submission from Illumina Laboratory Services, Illumina above.

Illumina Laboratory Services, Illumina
Classification: Likely benign for Autosomal recessive nonsyndromic hearing loss 2. Last evaluated: 2018-01-13. Review status: criteria provided, single submitter. Criteria: ICSL Variant Classification Criteria 13 December 2019. Collection method: clinical testing. Allele origin: germline.
Comment: This variant was observed in the ICSL laboratory as part of a predisposition screen in an ostensibly healthy population. It had not been previously curated by ICSL or reported in the Human Gene Mutation Database (HGMD: prior to June 1st, 2018), and was therefore a candidate for classification through an automated scoring system. Utilizing variant allele frequency, disease prevalence and penetrance estimates, and inheritance mode, an automated score was calculated to assess if this variant is too frequent to cause the disease. Based on the score and internal cut-off values, a variant classified as likely benign is not then subjected to further curation. The score for this variant resulted in a classification of likely benign for this disease.

GeneDx
Classification: Benign. Last evaluated: 2014-04-29. Review status: criteria provided, single submitter. Criteria: GeneDx Variant Classification (06012015). Collection method: clinical testing. Allele origin: germline. Affected: yes.
Comment: This variant is considered likely benign or benign based on one or more of the following criteria: it is a conservative change, it occurs at a poorly conserved position in the protein, it is predicted to be benign by multiple in silico algorithms, and/or has population frequency not consistent with disease.

Laboratory for Molecular Medicine, Mass General Brigham Personalized Medicine
Classification: Benign. Last evaluated: 2012-05-23. Review status: criteria provided, single submitter. Criteria: LMM Criteria. Collection method: clinical testing. Allele origin: germline. Observed: 59 variant alleles.
Comment: 6559-11C>T in Intron 48 of MYO7A: This variant is not expected to have clinical significance because it has been identified in 1.9% (127/6834) of European Ameri can chromosomes from a broad population by the NHLBI Exome Sequencing Project (dbSNP rs34517202).

Breakthrough Genomics
Classification: Likely benign. Review status: criteria provided, single submitter. Criteria: ACMG Guidelines, 2015. Collection method: not provided. Allele origin: germline. Inheritance: Autosomal recessive inheritance. Affected: yes.

PreventionGenetics, part of Exact Sciences
Classification: Benign. Review status: criteria provided, single submitter. Criteria: ACMG Guidelines, 2015. Collection method: clinical testing. Allele origin: germline.

NM_000260.4(MYO7A):c.6559-11C>T

Gene: MYO7A (myosin VIIA; plus strand). Cytogenetic location: 11q13.5.
Variant type: single nucleotide variant.
Coding change: c.6559-11C>T on transcript NM_000260.4 (MANE Select); 11 bases into the intron before coding-DNA position 6559, C replaced by T.
Molecular consequence: intron variant.
Genome position (GRCh38, 1-based): chr11:77,214,596, C>T. VCF-style: chr11-77214596-C-T. GRCh37 (hg19) VCF-style: chr11-76925641-C-T.
Other names: c.6412-11C>T (NM_001369365.1); c.6439-11C>T (NM_001127180.2).
Identifiers: ClinVar variation 43334 (VCV000043334.30), dbSNP rs34517202, ClinGen allele CA132440.